The following is an entry in ClinVar:

NM_002049.4(GATA1):c.308T>C (p.Leu103Pro)

Gene: GATA1 (GATA binding protein 1; plus strand). Cytogenetic location: Xp11.23.
Variant type: single nucleotide variant.
Coding change: c.308T>C on transcript NM_002049.4 (MANE Select); coding-DNA position 308, T replaced by C.
Protein change: p.Leu103Pro; replaces leucine 103 with proline.
Molecular consequence: missense variant.
Genome position (GRCh38, 1-based): chrX:48,791,931, T>C. VCF-style: chrX-48791931-T-C. GRCh37 (hg19) VCF-style: chrX-48650338-T-C.
Other names: short protein forms L103P.
Identifiers: ClinVar variation 2064082 (VCV002064082.4), dbSNP rs2147306230, ClinGen allele CA412868179.

ClinVar aggregate classification (germline): Uncertain significance (1 of 4 stars; one submission).

Conditions:
Diamond-Blackfan anemia. Also called: Blackfan Diamond syndrome; Aregenerative anemia chronic congenital; Red cell aplasia, pure hereditary; Congenital hypoplastic anemia; Aase syndrome. Identifiers: Orphanet 124, MedGen C1260899, MeSH D029503, MONDO:0015253, HP:0004810.
GATA binding protein 1 related thrombocytopenia with dyserythropoiesis. Also called: GATA1-Related X-Linked Cytopenia; GATA1-Related Cytopenia. Identifiers: MedGen C1845837, MONDO:0100089.

Allele frequency attached by ClinVar (database versions not stated): gnomAD exomes 0.00001.
gnomAD v4.1: 3 of 1,211,732 alleles (0.00025%); highest among the groups gnomAD compares: Non-Finnish European, 0.00034%; no homozygotes.

Submission:

Labcorp Genetics (formerly Invitae), Labcorp
Classification: Uncertain significance for GATA binding protein 1 related thrombocytopenia with dyserythropoiesis; Diamond-Blackfan anemia. Last evaluated: 2022-08-21. Review status: criteria provided, single submitter. Criteria: Invitae Variant Classification Sherloc (09022015). Collection method: clinical testing. Allele origin: germline.
Comment: In summary, the available evidence is currently insufficient to determine the role of this variant in disease. Therefore, it has been classified as a Variant of Uncertain Significance. Algorithms developed to predict the effect of missense changes on protein structure and function are either unavailable or do not agree on the potential impact of this missense change (SIFT: "Deleterious"; PolyPhen-2: "Probably Damaging"; Align-GVGD: "Class C0"). This variant has not been reported in the literature in individuals affected with GATA1-related conditions. This variant is not present in population databases (gnomAD no frequency). This sequence change replaces leucine, which is neutral and non-polar, with proline, which is neutral and non-polar, at codon 103 of the GATA1 protein (p.Leu103Pro).